The following is an entry in ClinVar:

ClinVar aggregate classification (germline): Pathogenic (1 of 4 stars; one submission).

Conditions:
Hypercholesterolemia, familial, 1. Also called: LDL RECEPTOR DISORDER; Hyperlipoproteinemia Type IIa; HYPER-LOW-DENSITY-LIPOPROTEINEMIA; HYPERCHOLESTEROLEMIC XANTHOMATOSIS, FAMILIAL; Fredrickson type IIa hyperlipoproteinemia; Hyperlipoproteinemia type 2. Identifiers: Orphanet 391665, MedGen C0745103, MONDO:0007750, OMIM 143890.

Submission:

Cardiovascular Research Group, Instituto Nacional de Saude Doutor Ricardo Jorge
Classification: Pathogenic for Familial hypercholesterolemia. Last evaluated: 2016-03-01. Review status: criteria provided, single submitter. Criteria: ACMG Guidelines, 2015. Collection method: research. Allele origin: germline. Inheritance: Autosomal dominant inheritance. Affected: yes.
Comment: 0/190 non-FH alleles

NM_000384.3(APOB):c.13158del (p.Glu4387fs)

Gene: APOB (apolipoprotein B; minus strand). Cytogenetic location: 2p24.1.
Variant type: Deletion.
Coding change: c.13158del on transcript NM_000384.3 (MANE Select); coding-DNA position 13158, one base deleted (A; older notation c.13158delA).
Protein change: p.Glu4387fs; shifts the reading frame from glutamic acid 4387.
Molecular consequence: frameshift variant.
Genome position (GRCh38, 1-based): chr2:21,002,264, T deleted on the plus strand (A on the coding strand, the reverse complement: APOB is on the minus strand); the first of 2 consecutive T bases (chr2:21,002,264-21,002,265); deleting either gives the same sequence. VCF-style (leftmost placement, unchanged base first): chr2-21002263-CT-C. GRCh37 (hg19) VCF-style: chr2-21225135-CT-C.
Other names: short protein forms E4387fs.
Identifiers: ClinVar variation 265895 (VCV000265895.1), dbSNP rs886039829, ClinGen allele CA10588883.